The following is an entry in ClinVar:

NM_001876.4(CPT1A):c.289A>G (p.Met97Val)

Gene: CPT1A (carnitine palmitoyltransferase 1A; minus strand). Cytogenetic location: 11q13.3.
Variant type: single nucleotide variant.
Coding change: c.289A>G on transcript NM_001876.4 (MANE Select); coding-DNA position 289, A replaced by G.
Protein change: p.Met97Val; replaces methionine 97 with valine.
Molecular consequence: missense variant.
Genome position (GRCh38, 1-based): chr11:68,807,631, T>C on the plus strand (A>G on the coding strand, the complement: CPT1A is on the minus strand). VCF-style: chr11-68807631-T-C. GRCh37 (hg19) VCF-style: chr11-68575099-T-C.
Other names: c.289A>G, p.Met97Val (NM_001031847.3); short protein forms M97V.
Identifiers: ClinVar variation 2081458 (VCV002081458.4), dbSNP rs371587257, ClinGen allele CA381636889.

ClinVar aggregate classification (germline): Uncertain significance (1 of 4 stars; one submission).

Conditions:
Carnitine palmitoyl transferase 1A deficiency. Also called: Carnitine palmitoyltransferase 1A deficiency; CPT deficiency, hepatic, type IA; CPT I DEFICIENCY; CPT DEFICIENCY, HEPATIC, TYPE I; Carnitine palmitoyltransferase type I deficiency. Identifiers: Orphanet 156, MedGen C1829703, MONDO:0009705, OMIM 255120.

gnomAD v4.1: 1 of 1,614,020 alleles (0.000062%); highest among the groups gnomAD compares: Non-Finnish European, 0.000085%; no homozygotes.

Submission:

Labcorp Genetics (formerly Invitae), Labcorp
Classification: Uncertain significance for Carnitine palmitoyl transferase 1A deficiency. Last evaluated: 2022-04-11. Review status: criteria provided, single submitter. Criteria: Invitae Variant Classification Sherloc (09022015). Collection method: clinical testing. Allele origin: germline.
Comment: This sequence change replaces methionine, which is neutral and non-polar, with valine, which is neutral and non-polar, at codon 97 of the CPT1A protein (p.Met97Val). This variant is not present in population databases (gnomAD no frequency). This variant has not been reported in the literature in individuals affected with CPT1A-related conditions. Algorithms developed to predict the effect of missense changes on protein structure and function (SIFT, PolyPhen-2, Align-GVGD) all suggest that this variant is likely to be tolerated. In summary, the available evidence is currently insufficient to determine the role of this variant in disease. Therefore, it has been classified as a Variant of Uncertain Significance.